The following is an entry in ClinVar:

ClinVar aggregate classification (germline): Uncertain significance (1 of 4 stars; one submission).

Submission:

Labcorp Genetics (formerly Invitae), Labcorp
Classification: Uncertain significance. Last evaluated: 2024-08-23. Review status: criteria provided, single submitter. Criteria: Invitae Variant Classification Sherloc (09022015). Collection method: clinical testing. Allele origin: germline.
Comment: This sequence change replaces threonine, which is neutral and polar, with alanine, which is neutral and non-polar, at codon 1900 of the RP1 protein (p.Thr1900Ala). This variant is not present in population databases (gnomAD no frequency). This variant has not been reported in the literature in individuals affected with RP1-related conditions. An algorithm developed to predict the effect of missense changes on protein structure and function outputs the following: PolyPhen-2: "Benign". The alanine amino acid residue is found in multiple mammalian species, which suggests that this missense change does not adversely affect protein function. In summary, the available evidence is currently insufficient to determine the role of this variant in disease. Therefore, it has been classified as a Variant of Uncertain Significance.

NM_006269.2(RP1):c.5698A>G (p.Thr1900Ala)

Genes: RP1 (RP1 axonemal microtubule associated; plus strand), LOC126860392 (CDK7 strongly-dependent group 2 enhancer GRCh37_chr8:55541319-55542518; plus strand). Cytogenetic location: 8q12.1.
Variant type: single nucleotide variant.
Coding change: c.5698A>G on transcript NM_006269.2 (MANE Select); coding-DNA position 5698, A replaced by G.
Protein change: p.Thr1900Ala; replaces threonine 1900 with alanine.
Molecular consequence: missense variant. On other transcripts: intron variant (1).
Genome position (GRCh38, 1-based): chr8:54,629,580, A>G. VCF-style: chr8-54629580-A-G. GRCh37 (hg19) VCF-style: chr8-55542140-A-G.
Other names: c.787+7292A>G (NM_001375654.1); short protein forms T1900A.
Identifiers: ClinVar variation 3689461 (VCV003689461.2).